The following is an entry in ClinVar:

NM_005732.4(RAD50):c.3424G>A (p.Glu1142Lys)

Genes: TH2-LCR (Th2 cytokine locus control region; plus strand), TH2LCRR (T helper type 2 locus control region associated RNA; minus strand), RAD50 (RAD50 double strand break repair protein; plus strand). Cytogenetic location: 5q31.1.
Variant type: single nucleotide variant.
Coding change: c.3424G>A on transcript NM_005732.4 (MANE Select); coding-DNA position 3424, G replaced by A.
Protein change: p.Glu1142Lys; replaces glutamic acid 1142 with lysine.
Molecular consequence: missense variant.
Genome position (GRCh38, 1-based): chr5:132,637,149, G>A. VCF-style: chr5-132637149-G-A. GRCh37 (hg19) VCF-style: chr5-131972841-G-A.
Other names: short protein forms E1142K.
Identifiers: ClinVar variation 3312326 (VCV003312326.1).

ClinVar aggregate classification (germline): Uncertain significance (1 of 4 stars; one submission).

Conditions:
Hereditary cancer-predisposing syndrome. Also called: Neoplastic Syndromes, Hereditary; Tumor predisposition; Hereditary neoplastic syndrome; Hereditary Cancer Syndrome. Identifiers: Orphanet 140162, MedGen C0027672, MeSH D009386, MONDO:0015356.

Submission:

Ambry Genetics
Classification: Uncertain significance for Hereditary cancer-predisposing syndrome. Last evaluated: 2024-05-10. Review status: criteria provided, single submitter. Criteria: Ambry Variant Classification Scheme 2023. Collection method: clinical testing. Allele origin: germline.
Comment: The p.E1142K variant (also known as c.3424G>A), located in coding exon 22 of the RAD50 gene, results from a G to A substitution at nucleotide position 3424. The glutamic acid at codon 1142 is replaced by lysine, an amino acid with similar properties. This amino acid position is conserved. In addition, the in silico prediction for this alteration is inconclusive. Based on the available evidence, the clinical significance of this variant remains unclear.